The following is an entry in ClinVar:

ClinVar aggregate classification (germline): Uncertain significance. Review status: criteria provided, multiple submitters, no conflicts (2 of 4 stars). 2 submissions from 2 submitters: Uncertain significance (2). Last evaluated 2026-03-21.

Conditions:
Hypertrophic cardiomyopathy 14. Identifiers: MedGen C2750467, MONDO:0013197, OMIM 613251.
Cardiovascular phenotype. Identifiers: MedGen CN230736.

Submissions (2):

Ambry Genetics
Classification: Uncertain significance for Cardiovascular phenotype. Last evaluated: 2026-03-21. Review status: criteria provided, single submitter. Criteria: Ambry Variant Classification Scheme 2023. Collection method: clinical testing. Allele origin: germline.
Comment: The p.R1822W variant (also known as c.5464C>T), located in coding exon 34 of the MYH6 gene, results from a C to T substitution at nucleotide position 5464. The arginine at codon 1822 is replaced by tryptophan, an amino acid with dissimilar properties. This amino acid position is conserved. In addition, the in silico prediction for this alteration is inconclusive. Based on the available evidence, the clinical significance of this variant remains unclear.

Labcorp Genetics (formerly Invitae), Labcorp
Classification: Uncertain significance for Hypertrophic cardiomyopathy 14. Last evaluated: 2025-03-15. Review status: criteria provided, single submitter. Criteria: Invitae Variant Classification Sherloc (09022015). Collection method: clinical testing. Allele origin: germline.
Comment: This sequence change replaces arginine, which is basic and polar, with tryptophan, which is neutral and slightly polar, at codon 1822 of the MYH6 protein (p.Arg1822Trp). This variant is present in population databases (no rsID available, gnomAD 0.01%). This variant has not been reported in the literature in individuals affected with MYH6-related conditions. Invitae Evidence Modeling of protein sequence and biophysical properties (such as structural, functional, and spatial information, amino acid conservation, physicochemical variation, residue mobility, and thermodynamic stability) indicates that this missense variant is expected to disrupt MYH6 protein function with a positive predictive value of 80%. In summary, the available evidence is currently insufficient to determine the role of this variant in disease. Therefore, it has been classified as a Variant of Uncertain Significance.

NM_002471.4(MYH6):c.5464C>T (p.Arg1822Trp)

Gene: MYH6 (myosin heavy chain 6; minus strand). Cytogenetic location: 14q11.2.
Variant type: single nucleotide variant.
Coding change: c.5464C>T on transcript NM_002471.4 (MANE Select); coding-DNA position 5464, C replaced by T.
Protein change: p.Arg1822Trp; replaces arginine 1822 with tryptophan.
Molecular consequence: missense variant.
Genome position (GRCh38, 1-based): chr14:23,384,543, G>A on the plus strand (C>T on the coding strand, the complement: MYH6 is on the minus strand). VCF-style: chr14-23384543-G-A. GRCh37 (hg19) VCF-style: chr14-23853752-G-A.
Other names: short protein forms R1822W.
Identifiers: ClinVar variation 4781136 (VCV004781136.2).